The following is an entry in ClinVar:

ClinVar aggregate classification (germline): Uncertain significance (1 of 4 stars; one submission).

Conditions:
Peroxisome biogenesis disorder 11A (Zellweger). Also called: Peroxisome biogenesis disorder 11A. Identifiers: Orphanet 912, MedGen C3554000, MONDO:0013949, OMIM 614883.

Allele frequency attached by ClinVar (database versions not stated): gnomAD exomes below 0.00001.
gnomAD v4.1: 5 of 1,613,874 alleles (0.00031%); highest among the groups gnomAD compares: Non-Finnish European, 0.00042%; no homozygotes.

Submission:

Labcorp Genetics (formerly Invitae), Labcorp
Classification: Uncertain significance for Peroxisome biogenesis disorder 11A (Zellweger). Last evaluated: 2024-02-24. Review status: criteria provided, single submitter. Criteria: Invitae Variant Classification Sherloc (09022015). Collection method: clinical testing. Allele origin: germline.
Comment: This sequence change replaces leucine, which is neutral and non-polar, with valine, which is neutral and non-polar, at codon 238 of the PEX13 protein (p.Leu238Val). This variant is not present in population databases (gnomAD no frequency). This variant has not been reported in the literature in individuals affected with PEX13-related conditions. ClinVar contains an entry for this variant (Variation ID: 1040656). Advanced modeling of protein sequence and biophysical properties (such as structural, functional, and spatial information, amino acid conservation, physicochemical variation, residue mobility, and thermodynamic stability) performed at Invitae indicates that this missense variant is not expected to disrupt PEX13 protein function with a negative predictive value of 80%. In summary, the available evidence is currently insufficient to determine the role of this variant in disease. Therefore, it has been classified as a Variant of Uncertain Significance.

NM_002618.4(PEX13):c.712T>G (p.Leu238Val)

Gene: PEX13 (peroxisomal biogenesis factor 13; plus strand). Cytogenetic location: 2p15.
Variant type: single nucleotide variant.
Coding change: c.712T>G on transcript NM_002618.4 (MANE Select); coding-DNA position 712, T replaced by G.
Protein change: p.Leu238Val; replaces leucine 238 with valine.
Molecular consequence: missense variant.
Genome position (GRCh38, 1-based): chr2:61,032,038, T>G. VCF-style: chr2-61032038-T-G. GRCh37 (hg19) VCF-style: chr2-61259173-T-G.
Other names: short protein forms L238V.
Identifiers: ClinVar variation 1040656 (VCV001040656.8), dbSNP rs1680460970, ClinGen allele CA346944562.
Genomic context (GRCh38, chr2:61,032,038, plus strand): 5'-GTGGCATGCCTTGGTGCTGAGGACCGAGCAGCTACCTCAGCAAAATCTTGGCCAATATTC[T>G]TGTTCTTTGCTGTTATCCTTGGTGGTCCTTACCTCATTTGGAAACTATTGTCTACTCACA-3'
Protein context (NP_002609.1, residues 228-248): ATSAKSWPIF[Leu238Val]FFAVILGGPY